The following is an entry in ClinVar:

NM_006767.4(LZTR1):c.2485_2486del (p.Ser829fs)

Gene: LZTR1 (leucine zipper like post translational regulator 1; plus strand). Cytogenetic location: 22q11.21.
Variant type: Microsatellite.
Coding change: c.2485_2486del on transcript NM_006767.4 (MANE Select); coding-DNA positions 2485 to 2486, 2 bases deleted (TC; older notation c.2485_2486delTC).
Protein change: p.Ser829fs; shifts the reading frame from serine 829.
Molecular consequence: frameshift variant.
Genome position (GRCh38, 1-based): chr22:20,997,310-20,997,311, TC deleted; deleting any 2 consecutive bases within chr22:20,997,308-20,997,311 gives the same sequence; the c. name uses the placement nearest the transcript's 3' end. VCF-style (leftmost placement, unchanged base first): chr22-20997307-ATC-A. GRCh37 (hg19) VCF-style: chr22-21351596-ATC-A.
Other names: short protein forms S829fs.
Identifiers: ClinVar variation 4101857 (VCV004101857.1).

ClinVar aggregate classification (germline): Uncertain significance (1 of 4 stars; one submission).

Conditions:
Cardiovascular phenotype. Identifiers: MedGen CN230736.
Hereditary cancer-predisposing syndrome. Also called: Tumor predisposition; Neoplastic Syndromes, Hereditary; Hereditary neoplastic syndrome; Hereditary Cancer Syndrome. Identifiers: Orphanet 140162, MedGen C0027672, MeSH D009386, MONDO:0015356.

Submission:

Ambry Genetics
Classification: Uncertain significance for Cardiovascular phenotype; Hereditary cancer-predisposing syndrome. Last evaluated: 2025-06-24. Review status: criteria provided, single submitter. Criteria: Ambry Variant Classification Scheme 2023. Collection method: clinical testing. Allele origin: germline.
Comment: The c.2485_2486delTC variant, located in coding exon 21 of the LZTR1 gene, results from a deletion of two nucleotides at nucleotide positions 2485 to 2486, causing a translational frameshift with a predicted alternate stop codon (p.S829Rfs*21). This alteration occurs at the 3' terminus of theLZTR1 gene, is not expected to trigger nonsense-mediated mRNAdecay and results in the elongation of the protein by 8 amino acids. This frameshift impacts the last 1.4%of the native protein. The exact functional effect of the altered amino acids is unknown. Based on the available evidence, the clinical significance of this variant remains unclear.